The following is an entry in ClinVar:

NM_001348716.2(KDM6B):c.1529G>A (p.Gly510Glu)

Gene: KDM6B (lysine demethylase 6B; plus strand). Cytogenetic location: 17p13.1.
Variant type: single nucleotide variant.
Coding change: c.1529G>A on transcript NM_001348716.2 (MANE Select); coding-DNA position 1529, G replaced by A.
Protein change: p.Gly510Glu; replaces glycine 510 with glutamic acid.
Molecular consequence: missense variant.
Genome position (GRCh38, 1-based): chr17:7,847,817, G>A. VCF-style: chr17-7847817-G-A. GRCh37 (hg19) VCF-style: chr17-7751135-G-A.
Other names: c.1529G>A, p.Gly510Glu (NM_001080424.2); short protein forms G510E.
Identifiers: ClinVar variation 3051772 (VCV003051772.21), dbSNP rs779498941, ClinGen allele CA8360673.
Genomic context (GRCh38, chr17:7,847,817, plus strand): 5'-CCTGCCGGGCAGCCCGAGAGGATGGAGAGATCTTAGAAGAGCTCTTCTTTGGGACTGAGG[G>A]ACCCCCCCGCCCTGCCCCACCACCCCTCCCCCATCGCGAGGGCTTCTTGGGGCCTCCGGC-3'
Protein context (NP_001335645.1, residues 500-520): ILEELFFGTE[Gly510Glu]PPRPAPPPLP

ClinVar aggregate classification (germline): Likely benign. Review status: criteria provided, multiple submitters, no conflicts (2 of 4 stars). 3 submissions from 3 submitters: Likely benign (2). 1 of the submissions does not count toward it. Last evaluated 2026-02-01.

Conditions:
KDM6B-related disorder. Also called: KDM6B-related condition.
Inborn genetic diseases. Identifiers: MedGen C0950123, MeSH D030342.

Allele frequency attached by ClinVar (database versions not stated): ExAC 0.00065.
gnomAD v4.1: 488 of 1,546,484 alleles (0.032%); highest among the groups gnomAD compares: Non-Finnish European, 0.038%; no homozygotes.

Submissions (3):

CeGaT Center for Human Genetics Tuebingen
Classification: Likely benign. Last evaluated: 2026-02-01. Review status: criteria provided, single submitter. Criteria: CeGaT Center For Human Genetics Tuebingen Variant Classification Criteria Version 2. Collection method: clinical testing. Allele origin: germline. Affected: yes. Observed: 3 variant alleles.
Comment: KDM6B: BS2

Ambry Genetics
Classification: Likely benign for Inborn genetic diseases. Last evaluated: 2024-06-26. Review status: criteria provided, single submitter. Criteria: Ambry Variant Classification Scheme 2023. Collection method: clinical testing. Allele origin: germline.

PreventionGenetics, part of Exact Sciences
Classification: Likely benign for KDM6B-related condition. Last evaluated: 2023-02-28. Review status: no assertion criteria provided. Collection method: clinical testing. Allele origin: germline. Not counted in ClinVar's aggregate classification.
Comment: This variant is classified as likely benign based on ACMG/AMP sequence variant interpretation guidelines (Richards et al. 2015 PMID: 25741868, with internal and published modifications).